The following is an entry in ClinVar:

NM_004168.4(SDHA):c.713G>A (p.Cys238Tyr)

Gene: SDHA (succinate dehydrogenase complex flavoprotein subunit A; plus strand). Cytogenetic location: 5p15.33.
Variant type: single nucleotide variant.
Coding change: c.713G>A on transcript NM_004168.4 (MANE Select); coding-DNA position 713, G replaced by A.
Protein change: p.Cys238Tyr; replaces cysteine 238 with tyrosine.
Molecular consequence: missense variant.
Genome position (GRCh38, 1-based): chr5:228,276, G>A. VCF-style: chr5-228276-G-A. GRCh37 (hg19) VCF-style: chr5-228391-G-A.
Other names: c.569G>A, p.Cys190Tyr (NM_001294332.2); c.713G>A, p.Cys238Tyr (NM_001330758.2); short protein forms C190Y, C238Y.
Identifiers: ClinVar variation 3754189 (VCV003754189.3).

ClinVar aggregate classification (germline): Uncertain significance. Review status: criteria provided, multiple submitters, no conflicts (2 of 4 stars). 2 submissions from 2 submitters: Uncertain significance (2). Last evaluated 2024-05-04.

Conditions:
Pheochromocytoma/paraganglioma syndrome 5. Also called: Paragangliomas 5; SDHA-Related Hereditary Paraganglioma-Pheochromocytoma Syndrome. Identifiers: Orphanet 29072, MedGen C3279992, MONDO:0013602, OMIM 614165.
Mitochondrial complex II deficiency, nuclear type 1. Also called: SUCCINATE CoQ REDUCTASE DEFICIENCY. Identifiers: Orphanet 3208, MedGen C5700310, MONDO:0100294, OMIM 252011.

Submissions (2):

Labcorp Genetics (formerly Invitae), Labcorp
Classification: Uncertain significance for Pheochromocytoma/paraganglioma syndrome 5; Mitochondrial complex II deficiency, nuclear type 1. Last evaluated: 2024-05-04. Review status: criteria provided, single submitter. Criteria: Invitae Variant Classification Sherloc (09022015). Collection method: clinical testing. Allele origin: germline.
Comment: This sequence change replaces cysteine, which is neutral and slightly polar, with tyrosine, which is neutral and polar, at codon 238 of the SDHA protein (p.Cys238Tyr). This variant is not present in population databases (gnomAD no frequency). This variant has not been reported in the literature in individuals affected with SDHA-related conditions. Advanced modeling of protein sequence and biophysical properties (such as structural, functional, and spatial information, amino acid conservation, physicochemical variation, residue mobility, and thermodynamic stability) has been performed at Invitae for this missense variant, however the output from this modeling did not meet the statistical confidence thresholds required to predict the impact of this variant on SDHA protein function. In summary, the available evidence is currently insufficient to determine the role of this variant in disease. Therefore, it has been classified as a Variant of Uncertain Significance.

Blueprint Genetics
Classification: Uncertain significance. Last evaluated: 2022-06-03. Review status: criteria provided, single submitter. Criteria: ACMG Guidelines, 2015. Collection method: clinical testing. Allele origin: germline.